The following is an entry in ClinVar:

NM_004655.4(AXIN2):c.1916G>A (p.Ser639Asn)

Gene: AXIN2 (axin 2; minus strand). Cytogenetic location: 17q24.1.
Variant type: single nucleotide variant.
Coding change: c.1916G>A on transcript NM_004655.4 (MANE Select); coding-DNA position 1916, G replaced by A.
Protein change: p.Ser639Asn; replaces serine 639 with asparagine.
Molecular consequence: missense variant.
Genome position (GRCh38, 1-based): chr17:65,536,545, C>T on the plus strand (G>A on the coding strand, the complement: AXIN2 is on the minus strand). VCF-style: chr17-65536545-C-T. GRCh37 (hg19) VCF-style: chr17-63532663-C-T.
Other names: c.1916G>A (LRG_296t1); c.1721G>A, p.Ser574Asn (NM_001363813.1); short protein forms S639N, S574N.
Identifiers: ClinVar variation 408813 (VCV000408813.19), dbSNP rs968390172, ClinGen allele CA16615856.

ClinVar aggregate classification (germline): Uncertain significance. Review status: criteria provided, multiple submitters, no conflicts (2 of 4 stars). 5 submissions from 5 submitters: Uncertain significance (5). Last evaluated 2026-01-28.

Conditions:
Colorectal cancer. Also called: Colorectal cancer, somatic; Malignant Colorectal Neoplasm. Identifiers: MedGen C0346629, MONDO:0005575, OMIM 114500.
Hereditary cancer-predisposing syndrome. Also called: Hereditary Cancer Syndrome; Hereditary neoplastic syndrome; Neoplastic Syndromes, Hereditary; Tumor predisposition. Identifiers: Orphanet 140162, MedGen C0027672, MeSH D009386, MONDO:0015356.
Oligodontia-cancer predisposition syndrome. Also called: TOOTH AGENESIS-COLORECTAL CANCER SYNDROME. Identifiers: Orphanet 300576, MedGen C1837750, MONDO:0012075, OMIM 608615. Disease mechanism: loss of function.

Allele frequency attached by ClinVar (database versions not stated): gnomAD exomes 0.00001; gnomAD 0.00002; TOPMed 0.00002.
gnomAD v4.1: 17 of 1,613,520 alleles (0.0011%); highest among the groups gnomAD compares: Non-Finnish European, 0.0014%; no homozygotes.

Submissions (5):

Labcorp Genetics (formerly Invitae), Labcorp
Classification: Uncertain significance for Oligodontia-cancer predisposition syndrome. Last evaluated: 2026-01-28. Review status: criteria provided, single submitter. Criteria: Invitae Variant Classification Sherloc (09022015). Collection method: clinical testing. Allele origin: germline.
Comment: This sequence change replaces serine, which is neutral and polar, with asparagine, which is neutral and polar, at codon 639 of the AXIN2 protein (p.Ser639Asn). This variant is not present in population databases (gnomAD no frequency). This variant has not been reported in the literature in individuals affected with AXIN2-related conditions. ClinVar contains an entry for this variant (Variation ID: 408813). Invitae Evidence Modeling of protein sequence and biophysical properties (such as structural, functional, and spatial information, amino acid conservation, physicochemical variation, residue mobility, and thermodynamic stability) indicates that this missense variant is not expected to disrupt AXIN2 protein function with a negative predictive value of 80%. In summary, the available evidence is currently insufficient to determine the role of this variant in disease. Therefore, it has been classified as a Variant of Uncertain Significance.

Ambry Genetics
Classification: Uncertain significance for Hereditary cancer-predisposing syndrome. Last evaluated: 2024-11-18. Review status: criteria provided, single submitter. Criteria: Ambry Variant Classification Scheme 2023. Collection method: clinical testing. Allele origin: germline.
Comment: The p.S639N variant (also known as c.1916G>A), located in coding exon 7 of the AXIN2 gene, results from a G to A substitution at nucleotide position 1916. The serine at codon 639 is replaced by asparagine, an amino acid with highly similar properties. This alteration was identified in 1/1358 non-cancer control individuals and in 0/57 cases, in a study looking at cancer predisposition mutations in patients with cutaneous melanoma and a history of at least two additional non-cutaneous melanoma primary cancers (Pritchard AL et al. PLoS One, 2018 Apr;13:e0194098). This amino acid position is not well conserved in available vertebrate species. In addition, this alteration is predicted to be tolerated by in silico analysis. Since supporting evidence is limited at this time, the clinical significance of this alteration remains unclear.

Baylor Genetics
Classification: Uncertain significance for Colorectal cancer. Last evaluated: 2024-02-10. Review status: criteria provided, single submitter. Criteria: ACMG Guidelines, 2015. Collection method: clinical testing. Allele origin: unknown.

Quest Diagnostics Nichols Institute San Juan Capistrano
Classification: Uncertain significance. Last evaluated: 2023-12-27. Review status: criteria provided, single submitter. Criteria: Quest Diagnostics criteria. Collection method: clinical testing. Allele origin: unknown.
Comment: The AXIN2 c.1916G>A (p.Ser639Asn) variant has been reported in the published literature in a reportedly healthy individual (PMID: 29641532 (2018)). The frequency of this variant in the general population, 0.000044 (3/68028 chromosomes (Genome Aggregation Database)), is uninformative in the assessment of its pathogenicity. Analysis of this variant using bioinformatics tools for the prediction of the effect of amino acid changes on protein structure and function yielded predictions that this variant is benign. Based on the available information, we are unable to determine the clinical significance of this variant.

GeneDx
Classification: Uncertain significance. Last evaluated: 2023-06-20. Review status: criteria provided, single submitter. Criteria: GeneDx Variant Classification Process June 2021. Collection method: clinical testing. Allele origin: germline. Affected: yes.
Comment: Not observed in large population cohorts (gnomAD); In silico analysis, which includes protein predictors and evolutionary conservation, supports that this variant does not alter protein structure/function; Has not been previously published as pathogenic or benign to our knowledge; This variant is associated with the following publications: (PMID: 29641532)

Literature cited by the submitters: PubMed 29641532 (cited by Ambry Genetics and Quest Diagnostics Nichols Institute San Juan Capistrano).